The following is an entry in ClinVar:

ClinVar aggregate classification (germline): Conflicting classifications of pathogenicity. Review status: criteria provided, conflicting classifications (1 of 4 stars). 2 submissions from 2 submitters: Uncertain significance (1); Likely benign (1). Last evaluated 2026-05-17.

Conditions:
Cardiovascular phenotype. Identifiers: MedGen CN230736.

Allele frequency attached by ClinVar (database versions not stated): gnomAD exomes 0.00001.
gnomAD v4.1: 3 of 1,544,366 alleles (0.00019%); highest among the groups gnomAD compares: Non-Finnish European, 0.00026%; no homozygotes.

Submissions (2):

Ambry Genetics
Classification: Likely benign for Cardiovascular phenotype. Last evaluated: 2026-05-17. Review status: criteria provided, single submitter. Criteria: Ambry Variant Classification Scheme 2023. Collection method: clinical testing. Allele origin: germline.

Labcorp Genetics (formerly Invitae), Labcorp
Classification: Uncertain significance. Last evaluated: 2024-12-23. Review status: criteria provided, single submitter. Criteria: Invitae Variant Classification Sherloc (09022015). Collection method: clinical testing. Allele origin: germline.
Comment: This sequence change replaces glutamine, which is neutral and polar, with arginine, which is basic and polar, at codon 45 of the LOX protein (p.Gln45Arg). This variant is not present in population databases (gnomAD no frequency). This variant has not been reported in the literature in individuals affected with LOX-related conditions. ClinVar contains an entry for this variant (Variation ID: 1902464). Invitae Evidence Modeling of protein sequence and biophysical properties (such as structural, functional, and spatial information, amino acid conservation, physicochemical variation, residue mobility, and thermodynamic stability) indicates that this missense variant is not expected to disrupt LOX protein function with a negative predictive value of 95%. In summary, the available evidence is currently insufficient to determine the role of this variant in disease. Therefore, it has been classified as a Variant of Uncertain Significance.

NM_002317.7(LOX):c.134A>G (p.Gln45Arg)

Genes: LOX (lysyl oxidase; minus strand), SRFBP1 (serum response factor binding protein 1; plus strand). Cytogenetic location: 5q23.1.
Variant type: single nucleotide variant.
Coding change: c.134A>G on transcript NM_002317.7 (MANE Select); coding-DNA position 134, A replaced by G.
Protein change: p.Gln45Arg; replaces glutamine 45 with arginine.
Molecular consequence: missense variant.
Genome position (GRCh38, 1-based): chr5:122,077,852, T>C on the plus strand (A>G on the coding strand, the complement: LOX is on the minus strand). VCF-style: chr5-122077852-T-C. GRCh37 (hg19) VCF-style: chr5-121413547-T-C.
Other names: c.134A>G (NM_002317.5); short protein forms Q45R.
Identifiers: ClinVar variation 1902464 (VCV001902464.6), dbSNP rs1754688465, ClinGen allele CA360878132.